The following is an entry in ClinVar:

NM_006796.3(AFG3L2):c.292G>C (p.Glu98Gln)

Gene: AFG3L2 (AFG3 like matrix AAA peptidase subunit 2; minus strand). Cytogenetic location: 18p11.21.
Variant type: single nucleotide variant.
Coding change: c.292G>C on transcript NM_006796.3 (MANE Select); coding-DNA position 292, G replaced by C.
Protein change: p.Glu98Gln; replaces glutamic acid 98 with glutamine.
Molecular consequence: missense variant.
Genome position (GRCh38, 1-based): chr18:12,370,849, C>G on the plus strand (G>C on the coding strand, the complement: AFG3L2 is on the minus strand). VCF-style: chr18-12370849-C-G. GRCh37 (hg19) VCF-style: chr18-12370848-C-G.
Other names: NC_000018.9:g.12370848C>G; short protein forms E98Q.
Identifiers: ClinVar variation 4430163 (VCV004430163.7).
Genomic context (GRCh38, chr18:12,370,849, plus strand): 5'-TACCACCATTATACATGAGGGGAAAACACAAAATTCAAATATAATATTGTCAAAAGGTAC[C>G]TTTTTTCTCTCCCATAACTTCTTTAGGTTCACTAGCTTTTTTTCCATTTTTTCCATTAGG-3'
Protein context (NP_006787.2, residues 88-108): EPKEVMGEKK[Glu98Gln]SKPAATTRSS

ClinVar aggregate classification (germline): Uncertain significance (1 of 4 stars; one submission).

gnomAD v4.1: 3 of 1,571,502 alleles (0.00019%); highest among the groups gnomAD compares: Non-Finnish European, 0.00026%; no homozygotes.

Submissions (2):

CeGaT Center for Human Genetics Tuebingen
Classification: Uncertain significance. Last evaluated: 2025-11-01. Review status: criteria provided, single submitter. Criteria: CeGaT Center For Human Genetics Tuebingen Variant Classification Criteria Version 2. Collection method: clinical testing. Allele origin: germline. Affected: yes. Observed: 1 variant allele.
Comment: AFG3L2: PM2, PP3

Dr. Peter K. Rogan Lab, Western University
No classification provided (evidence only). Condition: Uterine corpus endometrial carcinoma. Review status: no classification provided. Collection method: in vitro. Allele origin: not applicable. Functional consequence: skipped exon. Not counted in ClinVar's aggregate classification.